The following is an entry in ClinVar:

NM_152416.4(NDUFAF6):c.561C>G (p.Tyr187Ter)

Gene: NDUFAF6 (NADH:ubiquinone oxidoreductase complex assembly factor 6; plus strand). Cytogenetic location: 8q22.1.
Variant type: single nucleotide variant.
Coding change: c.561C>G on transcript NM_152416.4 (MANE Select); coding-DNA position 561, C replaced by G.
Protein change: p.Tyr187Ter; replaces tyrosine 187 with a stop codon.
Molecular consequence: nonsense. On other transcripts: non-coding transcript variant (6).
Genome position (GRCh38, 1-based): chr8:95,045,628, C>G. VCF-style: chr8-95045628-C-G. GRCh37 (hg19) VCF-style: chr8-96057856-C-G.
Other names: c.285C>G, p.Tyr95Ter (NM_001330582.2, NM_001354514.2, NM_001354515.2 and 1 more transcripts); c.405C>G, p.Tyr135Ter (NM_001354516.2); c.228C>G, p.Tyr76Ter (NM_001354517.2, NM_001354518.2, NM_001354519.2 and 1 more transcripts); c.105C>G, p.Tyr35Ter (NM_001354522.2, NM_001354524.2, NM_001354525.2 and 7 more transcripts); short protein forms Y187*, Y135*, Y76*, Y35*, Y95*.
Identifiers: ClinVar variation 426455 (VCV000426455.6), dbSNP rs1085307635, ClinGen allele CA371745894.

ClinVar aggregate classification (germline): Pathogenic/Likely pathogenic. Review status: criteria provided, multiple submitters, no conflicts (2 of 4 stars). 3 submissions from 3 submitters: Pathogenic (2); Likely pathogenic (1). Last evaluated 2023-07-14.

Conditions:
Inborn genetic diseases. Identifiers: MedGen C0950123, MeSH D030342.

gnomAD v4.1: 1 of 1,612,382 alleles (0.000062%); no homozygotes.

Submissions (3):

Labcorp Genetics (formerly Invitae), Labcorp
Classification: Pathogenic. Last evaluated: 2023-07-14. Review status: criteria provided, single submitter. Criteria: Invitae Variant Classification Sherloc (09022015). Collection method: clinical testing. Allele origin: germline.
Comment: For these reasons, this variant has been classified as Pathogenic. ClinVar contains an entry for this variant (Variation ID: 426455). This variant has not been reported in the literature in individuals affected with NDUFAF6-related conditions. This variant is not present in population databases (gnomAD no frequency). This sequence change creates a premature translational stop signal (p.Tyr187*) in the NDUFAF6 gene. It is expected to result in an absent or disrupted protein product. Loss-of-function variants in NDUFAF6 are known to be pathogenic (PMID: 28639102, 30642748).

Ambry Genetics
Classification: Pathogenic for Inborn genetic diseases. Last evaluated: 2023-02-08. Review status: criteria provided, single submitter. Criteria: Ambry Variant Classification Scheme 2023. Collection method: clinical testing. Allele origin: germline.
Comment: The c.561C>G (p.Y187*) alteration, located in exon 5 (coding exon 5) of the NDUFAF6 gene, consists of a C to G substitution at nucleotide position 561. This changes the amino acid from a tyrosine (Y) to a stop codon at amino acid position 187. This alteration is expected to result in loss of function by premature protein truncation or nonsense-mediated mRNA decay. This variant was not reported in population-based cohorts in the Genome Aggregation Database (gnomAD). Based on the available evidence, this alteration is classified as pathogenic.

GeneDx
Classification: Likely pathogenic. Last evaluated: 2017-04-15. Review status: criteria provided, single submitter. Criteria: GeneDx Variant Classification (06012015). Collection method: clinical testing. Allele origin: germline. Affected: yes.
Comment: The Y187X nonsense variant in the C8orf38 gene is predicted to cause loss of normal protein function either through protein truncation or nonsense-mediated mRNA decay. The Y187X variant is not observed in large population cohorts (Lek et al., 2016; 1000 Genomes Consortium et al., 2015; Exome Variant Server). Although this variant has not been reported previously to our knowledge, loss of function is reported to be the mechanism of disease for the C8orf38 gene; in summary, we interpret Y187X to be a likely pathogenic variant (McKenzie et al., 2011).

Literature cited by the submitters: PubMed 28639102 (cited by Labcorp Genetics (formerly Invitae), Labcorp); PubMed 30642748 (cited by Labcorp Genetics (formerly Invitae), Labcorp).